The following is an entry in ClinVar:

NM_002335.4(LRP5):c.1A>T (p.Met1Leu)

Gene: LRP5 (LDL receptor related protein 5; plus strand). Cytogenetic location: 11q13.2.
Variant type: single nucleotide variant.
Coding change: c.1A>T on transcript NM_002335.4 (MANE Select); coding-DNA position 1, A replaced by T.
Protein change: p.Met1Leu; changes the start codon (methionine 1).
Molecular consequence: missense variant, initiator codon variant. On other transcripts: 5 prime UTR variant (1).
Genome position (GRCh38, 1-based): chr11:68,312,715, A>T. VCF-style: chr11-68312715-A-T. GRCh37 (hg19) VCF-style: chr11-68080183-A-T.
Other names: c.-1765A>T (NM_001291902.2); short protein forms M1L.
Identifiers: ClinVar variation 2985040 (VCV002985040.3), dbSNP rs2153110162, ClinGen allele CA381607178.

ClinVar aggregate classification (germline): Pathogenic (1 of 4 stars; one submission).

Submission:

Labcorp Genetics (formerly Invitae), Labcorp
Classification: Pathogenic. Last evaluated: 2023-08-14. Review status: criteria provided, single submitter. Criteria: Invitae Variant Classification Sherloc (09022015). Collection method: clinical testing. Allele origin: germline.
Comment: This sequence change affects the initiator methionine of the LRP5 mRNA. The next in-frame methionine is located at codon 165. The frequency data for this variant in the population databases is considered unreliable, as metrics indicate insufficient coverage at this position in the gnomAD database. This variant has not been reported in the literature in individuals affected with LRP5-related conditions. This variant disrupts a region of the LRP5 protein in which other variant(s) (p.Trp79Arg) have been determined to be pathogenic (PMID: 25384351, 28192794). This suggests that this is a clinically significant region of the protein, and that variants that disrupt it are likely to be disease-causing. For these reasons, this variant has been classified as Pathogenic.

Literature cited by the submitters: PubMed 25384351; PubMed 28192794.